The following is an entry in ClinVar:

ClinVar aggregate classification (germline): Benign (1 of 4 stars; one submission).

Conditions:
Leigh syndrome (NULS). Also called: Leigh's necrotizing encephalopathy; Leigh's disease; Leigh Syndrome (mtDNA deletion); Leigh Disease; Subacute necrotizing encephalopathy; Necrotizing encephalopathy infantile subacute of Leigh. Identifiers: Orphanet 506, MedGen C2931891, MONDO:0009723, OMIM 256000.

Submission:

Wong Mito Lab, Molecular and Human Genetics, Baylor College of Medicine
Classification: Benign for Leigh syndrome. Last evaluated: 2019-10-17. Review status: criteria provided, single submitter. Criteria: Modified ACMG Guidelines (Unpublished). Collection method: clinical testing. Allele origin: germline.
Comment: The NC_012920.1:m.8406C>T (YP_003024030.1:p.Thr14Ile) variant in MTATP8 gene is interpretated to be a Benign variant based on the modified ACMG guidelines (unpublished). This variant meets the following evidence codes: BS1, BS4, BP4

NC_012920.1(MT-ATP8):m.8406C>T

Gene: MT-ATP8 (mitochondrially encoded ATP synthase 8; plus strand).
Variant type: single nucleotide variant.
Genome position: chrM-8406-C-T.
Identifiers: ClinVar variation 692846 (VCV000692846.1), dbSNP rs1556423448, ClinGen allele CA414795970.